The following is an entry in ClinVar:

ClinVar aggregate classification (germline): Uncertain significance. Review status: criteria provided, multiple submitters, no conflicts (2 of 4 stars). 2 submissions from 2 submitters: Uncertain significance (2). Last evaluated 2025-03-03.

gnomAD v4.1: 9 of 1,607,170 alleles (0.00056%); highest among the groups gnomAD compares: African/African-American, 0.011%; no homozygotes.

Submissions (2):

Labcorp Genetics (formerly Invitae), Labcorp
Classification: Uncertain significance. Last evaluated: 2025-03-03. Review status: criteria provided, single submitter. Criteria: Invitae Variant Classification Sherloc (09022015). Collection method: clinical testing. Allele origin: germline.
Comment: This sequence change replaces cysteine, which is neutral and slightly polar, with tryptophan, which is neutral and slightly polar, at codon 192 of the GATA5 protein (p.Cys192Trp). This variant is present in population databases (no rsID available, gnomAD 0.02%). This variant has not been reported in the literature in individuals affected with GATA5-related conditions. ClinVar contains an entry for this variant (Variation ID: 1376623). Invitae Evidence Modeling of protein sequence and biophysical properties (such as structural, functional, and spatial information, amino acid conservation, physicochemical variation, residue mobility, and thermodynamic stability) indicates that this missense variant is expected to disrupt GATA5 protein function with a positive predictive value of 80%. In summary, the available evidence is currently insufficient to determine the role of this variant in disease. Therefore, it has been classified as a Variant of Uncertain Significance.

Ambry Genetics
Classification: Uncertain significance. Last evaluated: 2024-08-05. Review status: criteria provided, single submitter. Criteria: Ambry Variant Classification Scheme 2023. Collection method: clinical testing. Allele origin: germline.

NM_080473.5(GATA5):c.576C>G (p.Cys192Trp)

Gene: GATA5 (GATA binding protein 5; minus strand). Cytogenetic location: 20q13.33.
Variant type: single nucleotide variant.
Coding change: c.576C>G on transcript NM_080473.5 (MANE Select); coding-DNA position 576, C replaced by G.
Protein change: p.Cys192Trp; replaces cysteine 192 with tryptophan.
Molecular consequence: missense variant.
Genome position (GRCh38, 1-based): chr20:62,473,526, G>C on the plus strand (C>G on the coding strand, the complement: GATA5 is on the minus strand). VCF-style: chr20-62473526-G-C. GRCh37 (hg19) VCF-style: chr20-61048582-G-C.
Other names: c.576C>G (NM_080473.4); short protein forms C192W.
Identifiers: ClinVar variation 1376623 (VCV001376623.7), dbSNP rs201106575, ClinGen allele CA409555303.